The following is an entry in ClinVar:

NM_001171613.2(PREPL):c.871T>A (p.Ser291Thr)

Gene: PREPL (prolyl endopeptidase like; minus strand). Cytogenetic location: 2p21.
Variant type: single nucleotide variant.
Coding change: c.871T>A on transcript NM_001171613.2 (MANE Select); coding-DNA position 871, T replaced by A.
Protein change: p.Ser291Thr; replaces serine 291 with threonine.
Molecular consequence: missense variant. On other transcripts: intron variant (1).
Genome position (GRCh38, 1-based): chr2:44,338,368, A>T on the plus strand (T>A on the coding strand, the complement: PREPL is on the minus strand). VCF-style: chr2-44338368-A-T. GRCh37 (hg19) VCF-style: chr2-44565507-A-T.
Other names: c.1138T>A, p.Ser380Thr (NM_001042386.2, NM_001171603.1, NM_001171606.2 and 3 more transcripts); c.871T>A, p.Ser291Thr (NM_001171617.1, NM_001374277.1); c.969+779T>A (NM_001042385.2); short protein forms S380T, S291T.
Identifiers: ClinVar variation 1402525 (VCV001402525.8), dbSNP rs755882009, ClinGen allele CA1641323.

ClinVar aggregate classification (germline): Uncertain significance. Review status: criteria provided, multiple submitters, no conflicts (2 of 4 stars). 2 submissions from 2 submitters: Uncertain significance (2). Last evaluated 2025-04-06.

Conditions:
Myasthenic syndrome, congenital, 22 (CMS22). Also called: PREPL DEFICIENCY. Identifiers: MedGen C4479088, MONDO:0044299, OMIM 616224.
Inborn genetic diseases. Identifiers: MedGen C0950123, MeSH D030342.

Allele frequency attached by ClinVar (database versions not stated): gnomAD 0.00001; TOPMed 0.00001; ExAC 0.00002; gnomAD exomes 0.00002.
gnomAD v4.1: 30 of 1,611,774 alleles (0.0019%); highest among the groups gnomAD compares: South Asian, 0.018%; no homozygotes.

Submissions (2):

Ambry Genetics
Classification: Uncertain significance for Inborn genetic diseases. Last evaluated: 2025-04-06. Review status: criteria provided, single submitter. Criteria: Ambry Variant Classification Scheme 2023. Collection method: clinical testing. Allele origin: germline.

Labcorp Genetics (formerly Invitae), Labcorp
Classification: Uncertain significance for Myasthenic syndrome, congenital, 22. Last evaluated: 2022-07-19. Review status: criteria provided, single submitter. Criteria: Invitae Variant Classification Sherloc (09022015). Collection method: clinical testing. Allele origin: germline.
Comment: In summary, the available evidence is currently insufficient to determine the role of this variant in disease. Therefore, it has been classified as a Variant of Uncertain Significance. Algorithms developed to predict the effect of missense changes on protein structure and function are either unavailable or do not agree on the potential impact of this missense change (SIFT: "Deleterious"; PolyPhen-2: "Benign"; Align-GVGD: "Class C0"). ClinVar contains an entry for this variant (Variation ID: 1402525). This variant has not been reported in the literature in individuals affected with PREPL-related conditions. This variant is present in population databases (rs755882009, gnomAD 0.007%). This sequence change replaces serine, which is neutral and polar, with threonine, which is neutral and polar, at codon 380 of the PREPL protein (p.Ser380Thr).